The following is an entry in ClinVar:

NM_021620.4(PRDM13):c.644C>A (p.Pro215Gln)

Gene: PRDM13 (PR/SET domain 13; plus strand). Cytogenetic location: 6q16.2.
Variant type: single nucleotide variant.
Coding change: c.644C>A on transcript NM_021620.4 (MANE Select); coding-DNA position 644, C replaced by A.
Protein change: p.Pro215Gln; replaces proline 215 with glutamine.
Molecular consequence: missense variant.
Genome position (GRCh38, 1-based): chr6:99,613,279, C>A. VCF-style: chr6-99613279-C-A. GRCh37 (hg19) VCF-style: chr6-100061155-C-A.
Other names: short protein forms P215Q.
Identifiers: ClinVar variation 1017724 (VCV001017724.8), dbSNP rs1461616404, ClinGen allele CA365115842.

ClinVar aggregate classification (germline): Uncertain significance (1 of 4 stars; one submission).

Allele frequency attached by ClinVar (database versions not stated): TOPMed 0.00001.
gnomAD v4.1: 15 of 1,592,752 alleles (0.00094%); highest among the groups gnomAD compares: African/African-American, 0.0013%; no homozygotes.

Submission:

Labcorp Genetics (formerly Invitae), Labcorp
Classification: Uncertain significance. Last evaluated: 2020-09-05. Review status: criteria provided, single submitter. Criteria: Invitae Variant Classification Sherloc (09022015). Collection method: clinical testing. Allele origin: germline.
Comment: In summary, the available evidence is currently insufficient to determine the role of this variant in disease. Therefore, it has been classified as a Variant of Uncertain Significance. Algorithms developed to predict the effect of sequence changes on RNA splicing suggest that this variant may create or strengthen a splice site, but this prediction has not been confirmed by published transcriptional studies. Algorithms developed to predict the effect of missense changes on protein structure and function output the following: SIFT: "Deleterious"; PolyPhen-2: "Benign"; Align-GVGD: "Class C25". The glutamine amino acid residue is found in multiple mammalian species, suggesting that this missense change does not adversely affect protein function. These predictions have not been confirmed by published functional studies and their clinical significance is uncertain. This variant has not been reported in the literature in individuals with PRDM13-related conditions. This variant is not present in population databases (ExAC no frequency). This sequence change replaces proline with glutamine at codon 215 of the PRDM13 protein (p.Pro215Gln). The proline residue is highly conserved and there is a moderate physicochemical difference between proline and glutamine.